The following is an entry in ClinVar:

ClinVar aggregate classification (germline): Uncertain significance (0 of 4 stars; one submission).

Conditions:
SLC34A2-related disorder. Also called: SLC34A2-related condition.

Allele frequency attached by ClinVar (database versions not stated): ExAC 0.00001; TOPMed 0.00002; gnomAD 0.00003.
gnomAD v4.1: 76 of 1,613,908 alleles (0.0047%); highest among the groups gnomAD compares: Non-Finnish European, 0.0056%; no homozygotes.

Submission:

PreventionGenetics, part of Exact Sciences
Classification: Uncertain significance for SLC34A2-related condition. Last evaluated: 2024-01-22. Review status: no assertion criteria provided. Collection method: clinical testing. Allele origin: germline.
Comment: The SLC34A2 c.1267G>A variant is predicted to result in the amino acid substitution p.Gly423Arg. This variant has been reported in the compound heterozygous state in an individual with pulmonary alveolar microlithiasis (Liu et al. 2023. PubMed ID: 38070491). This variant is reported in 0.0040% of alleles in individuals of African descent in gnomAD. Although we suspect that this variant may be pathogenic, at this time, the clinical significance of this variant is uncertain due to the absence of conclusive functional and genetic evidence.

NM_006424.3(SLC34A2):c.1267G>A (p.Gly423Arg)

Gene: SLC34A2 (solute carrier family 34 member 2; plus strand). Cytogenetic location: 4p15.2.
Variant type: single nucleotide variant.
Coding change: c.1267G>A on transcript NM_006424.3 (MANE Select); coding-DNA position 1267, G replaced by A.
Protein change: p.Gly423Arg; replaces glycine 423 with arginine.
Molecular consequence: missense variant.
Genome position (GRCh38, 1-based): chr4:25,674,346, G>A. VCF-style: chr4-25674346-G-A. GRCh37 (hg19) VCF-style: chr4-25675968-G-A.
Other names: c.1264G>A, p.Gly422Arg (NM_001177998.2, NM_001177999.2); short protein forms G422R, G423R.
Identifiers: ClinVar variation 3052031 (VCV003052031.2), dbSNP rs769110830, ClinGen allele CA2879760.